The following is an entry in ClinVar:

ClinVar aggregate classification (germline): Likely benign (0 of 4 stars; one submission).

Conditions:
TNS2-related disorder. Also called: TNS2-related condition.

Allele frequency attached by ClinVar (database versions not stated): ExAC 0.00002; gnomAD exomes 0.00002; gnomAD 0.00003; TOPMed 0.00005; ESP Exome Variant Server 0.00008.
gnomAD v4.1: 30 of 1,613,986 alleles (0.0019%); highest among the groups gnomAD compares: Middle Eastern, 0.033%; no homozygotes.

Submission:

PreventionGenetics, part of Exact Sciences
Classification: Likely benign for TNS2-related condition. Last evaluated: 2021-10-12. Review status: no assertion criteria provided. Collection method: clinical testing. Allele origin: germline.
Comment: This variant is classified as likely benign based on ACMG/AMP sequence variant interpretation guidelines (Richards et al. 2015 PMID: 25741868, with internal and published modifications).

NM_170754.4(TNS2):c.4119G>A (p.Pro1373=)

Gene: TNS2 (tensin 2; plus strand). Cytogenetic location: 12q13.13.
Variant type: single nucleotide variant.
Coding change: c.4119G>A on transcript NM_170754.4 (MANE Select); coding-DNA position 4119, G replaced by A.
Protein change: p.Pro1373=; no amino-acid change (proline 1373 retained).
Molecular consequence: synonymous variant.
Genome position (GRCh38, 1-based): chr12:53,063,771, G>A. VCF-style: chr12-53063771-G-A. GRCh37 (hg19) VCF-style: chr12-53457555-G-A.
Other names: c.4119G>A, p.Pro1373= (NM_001416202.1); c.4077G>A, p.Pro1359= (NM_001416203.1); c.4146G>A, p.Pro1382= (NM_001416204.1); c.4050G>A, p.Pro1350= (NM_015319.3); c.3747G>A, p.Pro1249= (NM_198316.2).
Identifiers: ClinVar variation 3036269 (VCV003036269.2), dbSNP rs148970226, ClinGen allele CA6593119.